The following is an entry in ClinVar:

NM_001267550.2(TTN):c.39389C>T (p.Pro13130Leu)

Gene: TTN (titin; minus strand). Cytogenetic location: 2q31.2.
Variant type: single nucleotide variant.
Coding change: c.39389C>T on transcript NM_001267550.2 (MANE Select); coding-DNA position 39389, C replaced by T.
Protein change: p.Pro13130Leu; replaces proline 13130 with leucine.
Molecular consequence: missense variant. On other transcripts: intron variant (3).
Genome position (GRCh38, 1-based): chr2:178,651,740, G>A on the plus strand (C>T on the coding strand, the complement: TTN is on the minus strand). VCF-style: chr2-178651740-G-A. GRCh37 (hg19) VCF-style: chr2-179516467-G-A.
Other names: c.34868C>T, p.Pro11623Leu (NM_001256850.1); c.32087C>T, p.Pro10696Leu (NM_133378.4); c.13283-9423C>T (NM_003319.4); c.13859-9423C>T (NM_133437.4); c.13658-9423C>T (NM_133432.3); short protein forms P13130L, P10696L, P11623L.
Identifiers: ClinVar variation 405161 (VCV000405161.10), dbSNP rs370520319, ClinGen allele CA1996729.

ClinVar aggregate classification (germline): Conflicting classifications of pathogenicity. Review status: criteria provided, conflicting classifications (1 of 4 stars). 8 submissions from 4 submitters: Uncertain significance (5); Benign (2); Likely benign (1). Last evaluated 2026-04-20.

Conditions:
TTN-related disorder. Also called: TTN-related disorders; TTN-related condition; TTN-related disease.
Autosomal recessive limb-girdle muscular dystrophy type 2J (LGMDR10). Also called: Limb-girdle muscular dystrophy, type 2J; MUSCULAR DYSTROPHY, LIMB-GIRDLE, AUTOSOMAL RECESSIVE 10. Identifiers: Orphanet 140922, MedGen C1837342, MONDO:0012127, OMIM 608807.
Dilated cardiomyopathy 1G (CMD1G). Identifiers: Orphanet 154, MedGen C1858763, MONDO:0011400, OMIM 604145.
Tibial muscular dystrophy (TMD). Also called: UDD MYOPATHY; Tibial muscular dystrophy, tardive; Udd Distal Myopathy – Tibial Muscular Dystrophy. Identifiers: Orphanet 609, MedGen C1838244, MONDO:0010870, OMIM 600334.
Myopathy, myofibrillar, 9, with early respiratory failure (MFM9). Also called: Hereditary myopathy with early respiratory failure; MYOPATHY, PROXIMAL, WITH EARLY RESPIRATORY MUSCLE INVOLVEMENT; EDSTROM MYOPATHY; Myopathy, distal, with early respiratory failure, autosomal dominant. Identifiers: Orphanet 178464, Orphanet 34521, MedGen C1863599, MONDO:0011362, OMIM 603689.
Early-onset myopathy with fatal cardiomyopathy (CMYO5). Also called: Salih Myopathy; CONGENITAL MYOPATHY 5 WITH CARDIOMYOPATHY. Identifiers: Orphanet 289377, MedGen C2673677, MONDO:0012714, OMIM 611705. Disease mechanism: loss of function.

Allele frequency attached by ClinVar (database versions not stated): gnomAD exomes 0.00001 and 0.00002; ExAC 0.00003; gnomAD 0.00005 and 0.00006; ESP Exome Variant Server 0.00008; TOPMed 0.00008.
gnomAD v4.1: 14 of 1,612,760 alleles (0.00087%); highest among the groups gnomAD compares: African/African-American, 0.016%; no homozygotes.

Submissions (8):

PreventionGenetics, part of Exact Sciences
Classification: Uncertain significance for TTN-related condition. Last evaluated: 2026-04-20. Review status: criteria provided, single submitter. Criteria: ACMG Guidelines, 2015. Collection method: clinical testing. Allele origin: germline.
Comment: The TTN c.39389C>T variant is predicted to result in the amino acid substitution p.Pro13130Leu. To our knowledge, this variant has not been reported in the literature. This variant is reported in 0.029% of alleles in individuals of African descent in gnomAD. At this time, the clinical significance of this variant is uncertain due to the absence of conclusive functional and genetic evidence.

GeneDx
Classification: Likely benign. Last evaluated: 2020-03-17. Review status: criteria provided, single submitter. Criteria: GeneDx Variant Classification Process June 2021. Collection method: clinical testing. Allele origin: germline. Affected: yes.

Illumina Laboratory Services, Illumina
Classification: Uncertain significance for Autosomal recessive limb-girdle muscular dystrophy type 2J. Last evaluated: 2018-01-12. Review status: criteria provided, single submitter. Criteria: ICSL Variant Classification Criteria 13 December 2019. Collection method: clinical testing. Allele origin: germline.

Illumina Laboratory Services, Illumina
Classification: Uncertain significance for Dilated cardiomyopathy 1G. Last evaluated: 2018-01-12. Review status: criteria provided, single submitter. Criteria: ICSL Variant Classification Criteria 13 December 2019. Collection method: clinical testing. Allele origin: germline.

Illumina Laboratory Services, Illumina
Classification: Benign for Tibial muscular dystrophy. Last evaluated: 2018-01-12. Review status: criteria provided, single submitter. Criteria: ICSL Variant Classification Criteria 13 December 2019. Collection method: clinical testing. Allele origin: germline.
Comment: This variant was observed in the ICSL laboratory as part of a predisposition screen in an ostensibly healthy population. It had not been previously curated by ICSL or reported in the Human Gene Mutation Database (HGMD: prior to June 1st, 2018), and was therefore a candidate for classification through an automated scoring system. Utilizing variant allele frequency, disease prevalence and penetrance estimates, and inheritance mode, an automated score was calculated to assess if this variant is too frequent to cause the disease. Based on the score and internal cut-off values, a variant classified as benign is not then subjected to further curation. The score for this variant resulted in a classification of benign for this disease.

Illumina Laboratory Services, Illumina
Classification: Benign for Myopathy, myofibrillar, 9, with early respiratory failure. Last evaluated: 2018-01-12. Review status: criteria provided, single submitter. Criteria: ICSL Variant Classification Criteria 13 December 2019. Collection method: clinical testing. Allele origin: germline.
Comment: the same text as in the submission from Illumina Laboratory Services, Illumina above.

Illumina Laboratory Services, Illumina
Classification: Uncertain significance for Early-onset myopathy with fatal cardiomyopathy. Last evaluated: 2018-01-12. Review status: criteria provided, single submitter. Criteria: ICSL Variant Classification Criteria 13 December 2019. Collection method: clinical testing. Allele origin: germline.

Labcorp Genetics (formerly Invitae), Labcorp
Classification: Uncertain significance for Dilated cardiomyopathy 1G; Autosomal recessive limb-girdle muscular dystrophy type 2J. Last evaluated: 2016-09-28. Review status: criteria provided, single submitter. Criteria: Invitae Variant Classification Sherloc (09022015). Collection method: clinical testing. Allele origin: germline.